The following is an entry in ClinVar:

NM_017636.4(TRPM4):c.936G>A (p.Ala312=)

Gene: TRPM4 (transient receptor potential cation channel subfamily M member 4; plus strand). Cytogenetic location: 19q13.33.
Variant type: single nucleotide variant.
Coding change: c.936G>A on transcript NM_017636.4 (MANE Select); coding-DNA position 936, G replaced by A.
Protein change: p.Ala312=; no amino-acid change (alanine 312 retained).
Molecular consequence: synonymous variant. On other transcripts: 5 prime UTR variant (1).
Genome position (GRCh38, 1-based): chr19:49,171,655, G>A. VCF-style: chr19-49171655-G-A. GRCh37 (hg19) VCF-style: chr19-49674912-G-A.
Other names: c.936G>A, p.Ala312= (NM_001195227.2); c.591G>A, p.Ala197= (NM_001321281.2); c.-618G>A (NM_001321282.2); c.414G>A, p.Ala138= (NM_001321283.2); c.87G>A, p.Ala29= (NM_001321285.2).
Identifiers: ClinVar variation 668577 (VCV000668577.15), dbSNP rs577738761, ClinGen allele CA9569020.
Genomic context (GRCh38, chr19:49,171,655, plus strand): 5'-CCAGGCTCAGCTCCCATGTCTCCTCGTGGCTGGCTCAGGGGGAGCTGCGGACTGCCTGGC[G>A]GAGACCCTGGAAGACACTCTGGCCCCAGGGAGTGGGGGAGCCAGGCAAGGCGAAGCCCGA-3'
Protein context (NP_060106.2, residues 302-322): AGSGGAADCL[Ala312=]ETLEDTLAPG

ClinVar aggregate classification (germline): Benign/Likely benign. Review status: criteria provided, multiple submitters, no conflicts (2 of 4 stars). 4 submissions from 4 submitters: Benign (1); Likely benign (3). Last evaluated 2025-08-26.

Conditions:
Progressive familial heart block type IB (PFHB1B). Identifiers: Orphanet 871, MedGen C1970298, MONDO:0011474, OMIM 604559.
Cardiovascular phenotype. Identifiers: MedGen CN230736.

Allele frequency attached by ClinVar (database versions not stated): gnomAD 0.00004 and 0.00013; TOPMed 0.00004; gnomAD exomes 0.00015 and 0.00020; ExAC 0.00023; 1000 Genomes Project 30x 0.00031; 1000 Genomes Project 0.00040.
gnomAD v4.1: 234 of 1,613,904 alleles (0.014%); highest among the groups gnomAD compares: South Asian, 0.18%; 2 homozygotes.

Submissions (4):

Labcorp Genetics (formerly Invitae), Labcorp
Classification: Benign for Progressive familial heart block type IB. Last evaluated: 2025-08-26. Review status: criteria provided, single submitter. Criteria: Invitae Variant Classification Sherloc (09022015). Collection method: clinical testing. Allele origin: germline.

Blueprint Genetics
Classification: Likely benign. Last evaluated: 2024-11-27. Review status: criteria provided, single submitter. Criteria: ACMG Guidelines, 2015. Collection method: clinical testing. Allele origin: germline.

Ambry Genetics
Classification: Likely benign for Cardiovascular phenotype. Last evaluated: 2018-09-21. Review status: criteria provided, single submitter. Criteria: Ambry Variant Classification Scheme 2023. Collection method: clinical testing. Allele origin: germline.

GeneDx
Classification: Likely benign. Last evaluated: 2018-05-23. Review status: criteria provided, single submitter. Criteria: GeneDx Variant Classification (06012015). Collection method: clinical testing. Allele origin: germline. Affected: yes.
Comment: This variant is considered likely benign or benign based on one or more of the following criteria: it is a conservative change, it occurs at a poorly conserved position in the protein, it is predicted to be benign by multiple in silico algorithms, and/or has population frequency not consistent with disease.